The following is an entry in ClinVar:

ClinVar aggregate classification (germline): Pathogenic. Review status: criteria provided, multiple submitters, no conflicts (2 of 4 stars). 7 submissions from 7 submitters: Pathogenic (3). 4 of the submissions do not count toward it. Last evaluated 2025-09-07.

Conditions:
KCNV2-related disorder. Also called: KCNV2-related condition.
Retinal dystrophy. Also called: Inherited retinal dystrophy. Identifiers: Orphanet 71862, MedGen C0854723, MeSH D058499, MONDO:0019118, HP:0000556.
Cone dystrophy with supernormal rod response (CDSRR). Also called: CONE DYSTROPHY WITH SUPERNORMAL ROD RESPONSES. Identifiers: Orphanet 209932, MedGen C1835897, MONDO:0012475, OMIM 610356.

gnomAD v4.1: 41 of 1,613,190 alleles (0.0025%); highest among the groups gnomAD compares: Non-Finnish European, 0.0033%; no homozygotes.

Submissions (7):

Labcorp Genetics (formerly Invitae), Labcorp
Classification: Pathogenic. Last evaluated: 2025-09-07. Review status: criteria provided, single submitter. Criteria: Invitae Variant Classification Sherloc (09022015). Collection method: clinical testing. Allele origin: germline.
Comment: This sequence change creates a premature translational stop signal (p.Glu148*) in the KCNV2 gene. It is expected to result in an absent or disrupted protein product. Loss-of-function variants in KCNV2 are known to be pathogenic (PMID: 16909397, 18235024). This variant is present in population databases (rs140256288, gnomAD 0.003%). This premature translational stop signal has been observed in individual(s) with KCNV2-related conditions (PMID: 18235024, 18400204, 23077521, 28559085). In at least one individual the data is consistent with being in trans (on the opposite chromosome) from a pathogenic variant. It has also been observed to segregate with disease in related individuals. ClinVar contains an entry for this variant (Variation ID: 39811). For these reasons, this variant has been classified as Pathogenic.

Blueprint Genetics
Classification: Pathogenic for KCNV2-related disorders. Last evaluated: 2024-09-30. Review status: criteria provided, single submitter. Criteria: ACMG Guidelines, 2015. Collection method: clinical testing. Allele origin: germline. Affected: yes. Observed: 5 variant alleles.

Institute of Human Genetics, Univ. Regensburg, Univ. Regensburg
Classification: Pathogenic for Retinal dystrophy. Last evaluated: 2022-01-01. Review status: criteria provided, single submitter. Criteria: ACMG Guidelines, 2015. Collection method: clinical testing. Allele origin: germline. Affected: yes.

PreventionGenetics, part of Exact Sciences
Classification: Pathogenic for KCNV2-related condition. Last evaluated: 2024-09-12. Review status: no assertion criteria provided. Collection method: clinical testing. Allele origin: germline. Not counted in ClinVar's aggregate classification.
Comment: The KCNV2 c.442G>T variant is predicted to result in premature protein termination (p.Glu148*). This variant has been reported in the homozygous and compound heterozygous states in individuals with cone dystrophy (Wissinger et al. 2008. PubMed ID: 18235024; Table S1, Stone et al. 2017. PubMed ID: 28559085; Table S1, Weisschuh et al. 2020. PubMed ID: 32531858). This variant is reported in 0.0027% of alleles in individuals of European (Non-Finnish) descent in gnomAD. Nonsense variants in KCNV2 are an established mechanism of disease. Given the evidence, we interpret this variant as pathogenic.

OMIM
Classification: drug response for CONE DYSTROPHY WITH SUPERNORMAL ROD RESPONSES. Last evaluated: 2011-12-01. Review status: no assertion criteria provided. Collection method: literature only. Allele origin: germline. Not counted in ClinVar's aggregate classification.

Clinical Genetics DNA and cytogenetics Diagnostics Lab, Erasmus MC, Erasmus Medical Center
Classification: Pathogenic. Review status: no assertion criteria provided. Collection method: clinical testing. Allele origin: germline. Affected: yes. Study: VKGL Data-share Consensus. Not counted in ClinVar's aggregate classification.

Joint Genome Diagnostic Labs from Nijmegen and Maastricht, Radboudumc and MUMC+
Classification: Pathogenic. Review status: no assertion criteria provided. Collection method: clinical testing. Allele origin: germline. Affected: yes. Study: VKGL Data-share Consensus. Not counted in ClinVar's aggregate classification.

Literature cited by the submitters: PubMed 16909397 (cited by Labcorp Genetics (formerly Invitae), Labcorp); PubMed 18235024 (cited by 3 submitters); PubMed 18400204 (cited by Labcorp Genetics (formerly Invitae), Labcorp); PubMed 23077521 (cited by Labcorp Genetics (formerly Invitae), Labcorp); PubMed 28559085 (cited by Labcorp Genetics (formerly Invitae), Labcorp and Institute of Human Genetics, Univ. Regensburg, Univ. Regensburg); PubMed 31964843 (cited by Institute of Human Genetics, Univ. Regensburg, Univ. Regensburg); PubMed 32531858 (cited by Institute of Human Genetics, Univ. Regensburg, Univ. Regensburg); PubMed 34426522 (cited by Institute of Human Genetics, Univ. Regensburg, Univ. Regensburg); PubMed 21882291 (cited by OMIM).

NM_133497.4(KCNV2):c.442G>T (p.Glu148Ter)

Gene: KCNV2 (potassium voltage-gated channel modifier subfamily V member 2; plus strand). Cytogenetic location: 9p24.2.
Variant type: single nucleotide variant.
Coding change: c.442G>T on transcript NM_133497.4 (MANE Select); coding-DNA position 442, G replaced by T.
Protein change: p.Glu148Ter; replaces glutamic acid 148 with a stop codon.
Molecular consequence: nonsense.
Genome position (GRCh38, 1-based): chr9:2,718,181, G>T. VCF-style: chr9-2718181-G-T. GRCh37 (hg19) VCF-style: chr9-2718181-G-T.
Other names: c.442G>T (NM_133497.3); short protein forms E148*.
Identifiers: ClinVar variation 39811 (VCV000039811.16), dbSNP rs140256288, ClinGen allele CA130576.